The following is an entry in ClinVar:

ClinVar aggregate classification (germline): Uncertain significance (1 of 4 stars; one submission).

Conditions:
Familial cancer of breast. Also called: BREAST CANCER, FAMILIAL; Hereditary breast cancer; hereditary breast carcinoma. Identifiers: Orphanet 227535, MedGen C0346153, MONDO:0016419, OMIM 114480. Disease mechanism: loss of function.

Submission:

Labcorp Genetics (formerly Invitae), Labcorp
Classification: Uncertain significance for Familial cancer of breast. Last evaluated: 2024-11-19. Review status: criteria provided, single submitter. Criteria: Invitae Variant Classification Sherloc (09022015). Collection method: clinical testing. Allele origin: germline.
Comment: This sequence change replaces cysteine, which is neutral and slightly polar, with glycine, which is neutral and non-polar, at codon 724 of the PALB2 protein (p.Cys724Gly). This variant is not present in population databases (gnomAD no frequency). This variant has not been reported in the literature in individuals affected with PALB2-related conditions. ClinVar contains an entry for this variant (Variation ID: 964032). Invitae Evidence Modeling of protein sequence and biophysical properties (such as structural, functional, and spatial information, amino acid conservation, physicochemical variation, residue mobility, and thermodynamic stability) indicates that this missense variant is not expected to disrupt PALB2 protein function with a negative predictive value of 80%. In summary, the available evidence is currently insufficient to determine the role of this variant in disease. Therefore, it has been classified as a Variant of Uncertain Significance.

NM_024675.4(PALB2):c.2170T>G (p.Cys724Gly)

Gene: PALB2 (partner and localizer of BRCA2; minus strand). Cytogenetic location: 16p12.2.
Variant type: single nucleotide variant.
Coding change: c.2170T>G on transcript NM_024675.4 (MANE Select); coding-DNA position 2170, T replaced by G.
Protein change: p.Cys724Gly; replaces cysteine 724 with glycine.
Molecular consequence: missense variant.
Genome position (GRCh38, 1-based): chr16:23,629,984, A>C on the plus strand (T>G on the coding strand, the complement: PALB2 is on the minus strand). VCF-style: chr16-23629984-A-C. GRCh37 (hg19) VCF-style: chr16-23641305-A-C.
Other names: short protein forms C724G.
Identifiers: ClinVar variation 964032 (VCV000964032.10), dbSNP rs1597089875, ClinGen allele CA395125653.